The following is an entry in ClinVar:

NM_001130009.3(GEN1):c.1109A>C (p.Tyr370Ser)

Gene: GEN1 (GEN1 Holliday junction 5' flap endonuclease; plus strand). Cytogenetic location: 2p24.2.
Variant type: single nucleotide variant.
Coding change: c.1109A>C on transcript NM_001130009.3 (MANE Select); coding-DNA position 1109, A replaced by C.
Protein change: p.Tyr370Ser; replaces tyrosine 370 with serine.
Molecular consequence: missense variant.
Genome position (GRCh38, 1-based): chr2:17,774,308, A>C. VCF-style: chr2-17774308-A-C. GRCh37 (hg19) VCF-style: chr2-17955575-A-C.
Other names: c.1109A>C, p.Tyr370Ser (NM_182625.5); short protein forms Y370S.
Identifiers: ClinVar variation 4029182 (VCV004029182.1).

ClinVar aggregate classification (germline): Uncertain significance (1 of 4 stars; one submission).

Submission:

Ambry Genetics
Classification: Uncertain significance. Last evaluated: 2025-03-29. Review status: criteria provided, single submitter. Criteria: Ambry Variant Classification Scheme 2023. Collection method: clinical testing. Allele origin: germline.
Comment: The p.Y370S variant (also known as c.1109A>C), located in coding exon 10 of the GEN1 gene, results from an A to C substitution at nucleotide position 1109. The tyrosine at codon 370 is replaced by serine, an amino acid with dissimilar properties. This amino acid position is conserved. In addition, this alteration is predicted to be deleterious by in silico analysis. Based on the available evidence, the clinical significance of this variant remains unclear.